The following is an entry in ClinVar:

NM_001042424.3(NSD2):c.2137G>C (p.Gly713Arg)

Gene: NSD2 (nuclear receptor binding SET domain protein 2; plus strand). Cytogenetic location: 4p16.3.
Variant type: single nucleotide variant.
Coding change: c.2137G>C on transcript NM_001042424.3 (MANE Select); coding-DNA position 2137, G replaced by C.
Protein change: p.Gly713Arg; replaces glycine 713 with arginine.
Molecular consequence: missense variant.
Genome position (GRCh38, 1-based): chr4:1,952,231, G>C. VCF-style: chr4-1952231-G-C. GRCh37 (hg19) VCF-style: chr4-1953958-G-C.
Other names: c.2137G>C, p.Gly713Arg (NM_001440892.1, NM_001440894.1, NM_001440895.1 and 4 more transcripts); c.2236G>C, p.Gly746Arg (NM_001440893.1); c.1930G>C, p.Gly644Arg (NM_001440897.1, NM_001440898.1); c.1168G>C, p.Gly390Arg (NM_001440899.1, NM_001440900.1); short protein forms G390R, G644R, G713R, G746R.
Identifiers: ClinVar variation 4291083 (VCV004291083.2).

ClinVar aggregate classification (germline): Pathogenic (1 of 4 stars; one submission).

Conditions:
Rauch-Steindl syndrome (RAUST). Identifiers: Orphanet 659642, MedGen C5562061, MONDO:0859219, OMIM 619695.

Submission:

Department of Medical Genetics, International Peace Maternity and Child Health Hospital, Shanghai Jiao Tong University School of Medicine
Classification: Pathogenic for Rauch-Steindl syndrome. Last evaluated: 2025-09-10. Review status: criteria provided, single submitter. Criteria: ACMG Guidelines, 2015. Collection method: clinical testing. Allele origin: de novo. Inheritance: Autosomal dominant inheritance. Affected: yes. Observed: 1 variant allele.
Comment: The c.2137G>C variant has not been included in gnomAD database (PM2_Supporting). The variant is located at the terminal nucleotide of exon 11, and SpliceAI predicted that it was highly likely to cause abrrent splicing. TA-clone sequencing of the RT-PCR fragments using samples from the patient showed that the c.2137G>C variant resulted in the skipping of exon 11 of NSD2 (r.2014_2137del), leading to a frameshift (p.Leu672Glyfs*20). Therefore, PVS1_(RNA) was used based on the ClinGen SVI splicing subgroup's guidance.